The following is an entry in ClinVar:

NM_173628.4(DNAH17):c.7570A>G (p.Met2524Val)

Genes: DNAH17 (dynein axonemal heavy chain 17; minus strand), DNAH17-AS1 (DNAH17 antisense RNA 1; plus strand). Cytogenetic location: 17q25.3.
Variant type: single nucleotide variant.
Coding change: c.7570A>G on transcript NM_173628.4 (MANE Select); coding-DNA position 7570, A replaced by G.
Protein change: p.Met2524Val; replaces methionine 2524 with valine.
Molecular consequence: missense variant. On other transcripts: non-coding transcript variant (1).
Genome position (GRCh38, 1-based): chr17:78,484,947, T>C on the plus strand (A>G on the coding strand, the complement: DNAH17 is on the minus strand). VCF-style: chr17-78484947-T-C. GRCh37 (hg19) VCF-style: chr17-76481029-T-C.
Other names: short protein forms M2524V.
Identifiers: ClinVar variation 4984425 (VCV004984425.1).

ClinVar aggregate classification (germline): Likely benign (1 of 4 stars; one submission).

Conditions:
DNAH17-related disorder. Also called: DNAH17-related condition.

gnomAD v4.1: 178 of 1,612,188 alleles (0.011%); highest among the groups gnomAD compares: South Asian, 0.14%; 4 homozygotes.

Submission:

PreventionGenetics, part of Exact Sciences
Classification: Likely benign for DNAH17-related condition. Last evaluated: 2024-12-05. Review status: criteria provided, single submitter. Criteria: ACMG Guidelines, 2015. Collection method: clinical testing. Allele origin: germline.
Comment: This variant is classified as likely benign based on ACMG/AMP sequence variant interpretation guidelines (Richards et al. 2015 PMID: 25741868, with internal and published modifications).